The following is an entry in ClinVar:

NM_021224.6(ZNF462):c.3685C>T (p.His1229Tyr)

Gene: ZNF462 (zinc finger protein 462; plus strand). Cytogenetic location: 9q31.2.
Variant type: single nucleotide variant.
Coding change: c.3685C>T on transcript NM_021224.6 (MANE Select); coding-DNA position 3685, C replaced by T.
Protein change: p.His1229Tyr; replaces histidine 1229 with tyrosine.
Molecular consequence: missense variant. On other transcripts: intron variant (1).
Genome position (GRCh38, 1-based): chr9:106,927,597, C>T. VCF-style: chr9-106927597-C-T. GRCh37 (hg19) VCF-style: chr9-109689878-C-T.
Other names: c.3252+433C>T (NM_001347997.2); short protein forms H1229Y.
Identifiers: ClinVar variation 4057094 (VCV004057094.1).
Genomic context (GRCh38, chr9:106,927,597, plus strand): 5'-CTCATTCATTATCAGAAGAAGCACCGAGACTTCAAGGCCAATGCAGATGTGATCCGGCAG[C>T]ATACGGCCACCATTCGAAGCCTCTGCGACCGAAATCAGAAGAAGCCTGCCAGCTGCGTGC-3'
Protein context (NP_067047.4, residues 1219-1239): FKANADVIRQ[His1229Tyr]TATIRSLCDR

ClinVar aggregate classification (germline): Uncertain significance (1 of 4 stars; one submission).

Submission:

GeneDx
Classification: Uncertain significance. Last evaluated: 2025-01-08. Review status: criteria provided, single submitter. Criteria: GeneDx Variant Classification Process June 2021. Collection method: clinical testing. Allele origin: germline. Affected: yes.
Comment: Not observed at significant frequency in large population cohorts (gnomAD); In silico analysis supports that this missense variant has a deleterious effect on protein structure/function; Has not been previously published as pathogenic or benign to our knowledge